The following is an entry in ClinVar:

ClinVar aggregate classification (germline): Pathogenic (1 of 4 stars; one submission).

Conditions:
Neurofibromatosis, type 1 (NF1). Also called: VON RECKLINGHAUSEN DISEASE; NEUROFIBROMATOSIS, TYPE I, SOMATIC; Peripheral type neurofibromatosis; Neurofibromatosis, type I. Identifiers: Orphanet 636, MedGen C0027831, MONDO:0018975, OMIM 162200. Disease mechanism: loss of function.

Submission:

Labcorp Genetics (formerly Invitae), Labcorp
Classification: Pathogenic for Neurofibromatosis, type 1. Last evaluated: 2018-06-07. Review status: criteria provided, single submitter. Criteria: Invitae Variant Classification Sherloc (09022015). Collection method: clinical testing. Allele origin: germline.
Comment: This sequence change creates a premature translational stop signal (p.Val2268Serfs*19) in the NF1 gene. It is expected to result in an absent or disrupted protein product. This variant is not present in population databases (ExAC no frequency). This variant has not been reported in the literature in individuals with NF1-related disease. Loss-of-function variants in NF1 are known to be pathogenic (PMID: 10712197, 23913538). For these reasons, this variant has been classified as Pathogenic.

Literature cited by the submitters: PubMed 10712197; PubMed 23913538.

NM_001042492.3(NF1):c.6861_6864dup (p.Val2289fs)

Gene: NF1 (neurofibromin 1; plus strand). Cytogenetic location: 17q11.2.
Variant type: Duplication.
Coding change: c.6861_6864dup on transcript NM_001042492.3 (MANE Select); coding-DNA positions 6861 to 6864, 4 bases duplicated (TCAA; older notation c.6861_6864dupTCAA).
Protein change: p.Val2289fs; shifts the reading frame from valine 2289.
Molecular consequence: frameshift variant.
Genome position (GRCh38, 1-based): chr17:31,338,745-31,338,748, TCAA duplicated. VCF-style (leftmost placement, unchanged base first): chr17-31338744-G-GTCAA. GRCh37 (hg19) VCF-style: chr17-29665762-G-GTCAA.
Other names: c.6798_6801dup, p.Val2268Serfs (NM_000267.4); c.6798_6801dupTCAA (NM_000267.3); short protein forms V2268fs, V2289fs.
Identifiers: ClinVar variation 568552 (VCV000568552.5), dbSNP rs1567618250, ClinGen allele CA891844408.